The following is an entry in ClinVar:

ClinVar aggregate classification (germline): Uncertain significance. Review status: criteria provided, multiple submitters, no conflicts (2 of 4 stars). 4 submissions from 4 submitters: Uncertain significance (4). Last evaluated 2024-10-11.

Conditions:
Developmental and epileptic encephalopathy, 18 (DEE18). Also called: Early infantile epileptic encephalopathy 18. Identifiers: Orphanet 369894, MedGen C3809624, MONDO:0014201, OMIM 615476.
Inborn genetic diseases. Identifiers: MedGen C0950123, MeSH D030342.

Allele frequency attached by ClinVar (database versions not stated): gnomAD exomes 0.00001 and 0.00002; ExAC 0.00002; gnomAD 0.00002 and 0.00004; TOPMed 0.00005.
gnomAD v4.1: 44 of 1,613,996 alleles (0.0027%); highest among the groups gnomAD compares: Admixed American, 0.005%; no homozygotes.

Submissions (4):

Ambry Genetics
Classification: Uncertain significance for Inborn genetic diseases. Last evaluated: 2024-10-11. Review status: criteria provided, single submitter. Criteria: Ambry Variant Classification Scheme 2023. Collection method: clinical testing. Allele origin: germline.

Labcorp Genetics (formerly Invitae), Labcorp
Classification: Uncertain significance. Last evaluated: 2024-01-09. Review status: criteria provided, single submitter. Criteria: Invitae Variant Classification Sherloc (09022015). Collection method: clinical testing. Allele origin: germline.
Comment: This sequence change replaces proline, which is neutral and non-polar, with serine, which is neutral and polar, at codon 1833 of the SZT2 protein (p.Pro1833Ser). This variant is present in population databases (rs772875195, gnomAD 0.007%). This variant has not been reported in the literature in individuals affected with SZT2-related conditions. ClinVar contains an entry for this variant (Variation ID: 837036). Algorithms developed to predict the effect of missense changes on protein structure and function output the following: SIFT: "Not Available"; PolyPhen-2: "Benign"; Align-GVGD: "Not Available". The serine amino acid residue is found in multiple mammalian species, which suggests that this missense change does not adversely affect protein function. In summary, the available evidence is currently insufficient to determine the role of this variant in disease. Therefore, it has been classified as a Variant of Uncertain Significance.

Genome-Nilou Lab
Classification: Uncertain significance for Developmental and epileptic encephalopathy, 18. Last evaluated: 2023-04-11. Review status: criteria provided, single submitter. Criteria: ACMG Guidelines, 2015. Collection method: clinical testing. Allele origin: germline. Affected: no.

Baylor Genetics
Classification: Uncertain significance for Developmental and epileptic encephalopathy, 18. Last evaluated: 2018-01-26. Review status: criteria provided, single submitter. Criteria: ACMG Guidelines, 2015. Collection method: clinical testing. Allele origin: maternal. Affected: yes.
Comment: This variant was determined to be of uncertain significance according to ACMG Guidelines, 2015 [PMID:25741868].

NM_001365999.1(SZT2):c.5668C>T (p.Pro1890Ser)

Gene: SZT2 (SZT2 subunit of KICSTOR complex; plus strand). Cytogenetic location: 1p34.2.
Variant type: single nucleotide variant.
Coding change: c.5668C>T on transcript NM_001365999.1 (MANE Select); coding-DNA position 5668, C replaced by T.
Protein change: p.Pro1890Ser; replaces proline 1890 with serine.
Molecular consequence: missense variant.
Genome position (GRCh38, 1-based): chr1:43,433,054, C>T. VCF-style: chr1-43433054-C-T. GRCh37 (hg19) VCF-style: chr1-43898725-C-T.
Other names: c.5497C>T, p.Pro1833Ser (NM_015284.4); short protein forms P1833S, P1890S.
Identifiers: ClinVar variation 837036 (VCV000837036.12), dbSNP rs772875195, ClinGen allele CA809658.